The following is an entry in ClinVar:

NM_199420.4(POLQ):c.1366C>G (p.Arg456Gly)

Gene: POLQ (DNA polymerase theta; minus strand). Cytogenetic location: 3q13.33.
Variant type: single nucleotide variant.
Coding change: c.1366C>G on transcript NM_199420.4 (MANE Select); coding-DNA position 1366, C replaced by G.
Protein change: p.Arg456Gly; replaces arginine 456 with glycine.
Molecular consequence: missense variant.
Genome position (GRCh38, 1-based): chr3:121,519,973, G>C on the plus strand (C>G on the coding strand, the complement: POLQ is on the minus strand). VCF-style: chr3-121519973-G-C. GRCh37 (hg19) VCF-style: chr3-121238820-G-C.
Other names: short protein forms R456G.
Identifiers: ClinVar variation 3422341 (VCV003422341.1).

ClinVar aggregate classification (germline): Uncertain significance (1 of 4 stars; one submission).

Submission:

Ambry Genetics
Classification: Uncertain significance. Last evaluated: 2024-08-12. Review status: criteria provided, single submitter. Criteria: Ambry Variant Classification Scheme 2023. Collection method: clinical testing. Allele origin: germline.
Comment: The p.R456G variant (also known as c.1366C>G), located in coding exon 9 of the POLQ gene, results from a C to G substitution at nucleotide position 1366. The arginine at codon 456 is replaced by glycine, an amino acid with dissimilar properties. This amino acid position is conserved. In addition, the in silico prediction for this alteration is inconclusive. Based on the available evidence, the clinical significance of this variant remains unclear.